The following is an entry in ClinVar:

ClinVar aggregate classification (germline): Likely benign. Review status: criteria provided, multiple submitters, no conflicts (2 of 4 stars). 4 submissions from 4 submitters: Likely benign (3). 1 of the submissions does not count toward it. Last evaluated 2026-01-13.

Conditions:
INPPL1-related disorder. Also called: INPPL1-related condition.

Allele frequency attached by ClinVar (database versions not stated): 1000 Genomes Project 30x 0.00016; 1000 Genomes Project 0.00020; ESP Exome Variant Server 0.00062; TOPMed 0.00080; gnomAD 0.00092 and 0.00096; gnomAD exomes 0.00113 and 0.00116; ExAC 0.00133.
gnomAD v4.1: 1,766 of 1,571,614 alleles (0.11%); highest among the groups gnomAD compares: Middle Eastern, 0.47%; 8 homozygotes.

Submissions (4):

Labcorp Genetics (formerly Invitae), Labcorp
Classification: Likely benign. Last evaluated: 2026-01-13. Review status: criteria provided, single submitter. Criteria: Invitae Variant Classification Sherloc (09022015). Collection method: clinical testing. Allele origin: germline.

Blueprint Genetics
Classification: Likely benign. Last evaluated: 2024-11-26. Review status: criteria provided, single submitter. Criteria: ACMG Guidelines, 2015. Collection method: clinical testing. Allele origin: germline.

Breakthrough Genomics
Classification: Likely benign. Review status: criteria provided, single submitter. Criteria: ACMG Guidelines, 2015. Collection method: not provided. Allele origin: germline. Inheritance: Autosomal recessive inheritance. Affected: yes.

PreventionGenetics, part of Exact Sciences
Classification: Likely benign for INPPL1-related condition. Last evaluated: 2020-01-09. Review status: no assertion criteria provided. Collection method: clinical testing. Allele origin: germline. Not counted in ClinVar's aggregate classification.
Comment: This variant is classified as likely benign based on ACMG/AMP sequence variant interpretation guidelines (Richards et al. 2015 PMID: 25741868, with internal and published modifications).

NM_001567.4(INPPL1):c.3585G>T (p.Gly1195=)

Gene: INPPL1 (inositol polyphosphate phosphatase like 1; plus strand). Cytogenetic location: 11q13.4.
Variant type: single nucleotide variant.
Coding change: c.3585G>T on transcript NM_001567.4 (MANE Select); coding-DNA position 3585, G replaced by T.
Protein change: p.Gly1195=; no amino-acid change (glycine 1195 retained).
Molecular consequence: synonymous variant.
Genome position (GRCh38, 1-based): chr11:72,238,074, G>T. VCF-style: chr11-72238074-G-T. GRCh37 (hg19) VCF-style: chr11-71949118-G-T.
Identifiers: ClinVar variation 724544 (VCV000724544.15), dbSNP rs139343461, ClinGen allele CA6170705.